The following is an entry in ClinVar:

NM_007126.5(VCP):c.290G>A (p.Gly97Glu)

Gene: VCP (valosin containing protein; minus strand). Cytogenetic location: 9p13.3.
Variant type: single nucleotide variant.
Coding change: c.290G>A on transcript NM_007126.5 (MANE Select); coding-DNA position 290, G replaced by A.
Protein change: p.Gly97Glu; replaces glycine 97 with glutamic acid.
Molecular consequence: missense variant.
Genome position (GRCh38, 1-based): chr9:35,067,903, C>T on the plus strand (G>A on the coding strand, the complement: VCP is on the minus strand). VCF-style: chr9-35067903-C-T. GRCh37 (hg19) VCF-style: chr9-35067900-C-T.
Other names: c.155G>A, p.Gly52Glu (NM_001354927.2, NM_001354928.2); short protein forms G97E, G52E.
Identifiers: ClinVar variation 218306 (VCV000218306.7), dbSNP rs864309502, ClinGen allele CA213389.

ClinVar aggregate classification (germline): Pathogenic. Review status: criteria provided, single submitter (1 of 4 stars). 2 submissions from 2 submitters: Pathogenic (1). 1 of the submissions does not count toward it. Last evaluated 2022-08-22.

Conditions:
Frontotemporal dementia and/or amyotrophic lateral sclerosis 6 (FTDALS6). Also called: VCP-Related Amyotrophic Lateral Sclerosis; VCP-Related Amyotrophic Lateral Sclerosis/Frontotemporal Dementia. Identifiers: Orphanet 275872, Orphanet 803, MedGen C5436279, MONDO:0013501, OMIM 613954.
Inclusion body myopathy with Paget disease of bone and frontotemporal dementia. Also called: Inclusion body myopathy with early-onset Paget disease and frontotemporal dementia. Identifiers: Orphanet 52430, MedGen C1833662, MONDO:0000507.
Charcot-Marie-Tooth disease type 2Y. Also called: CHARCOT-MARIE-TOOTH DISEASE, AXONAL, AUTOSOMAL DOMINANT, TYPE 2Y; CHARCOT-MARIE-TOOTH NEUROPATHY, TYPE 2Y; Charcot-Marie-Tooth disease, axonal, type 2y. Identifiers: Orphanet 435387, MedGen C5569026, MONDO:0014735, OMIM 616687.

Allele frequency attached by ClinVar (database versions not stated): TOPMed below 0.00001.

Submissions (2):

Labcorp Genetics (formerly Invitae), Labcorp
Classification: Pathogenic for Inclusion body myopathy with Paget disease of bone and frontotemporal dementia; Frontotemporal dementia and/or amyotrophic lateral sclerosis 6. Last evaluated: 2022-08-22. Review status: criteria provided, single submitter. Criteria: Invitae Variant Classification Sherloc (09022015). Collection method: clinical testing. Allele origin: germline.
Comment: For these reasons, this variant has been classified as Pathogenic. Experimental studies have shown that this missense change affects VCP function (PMID: 27226613). Advanced modeling of protein sequence and biophysical properties (such as structural, functional, and spatial information, amino acid conservation, physicochemical variation, residue mobility, and thermodynamic stability) performed at Invitae indicates that this missense variant is expected to disrupt VCP protein function. ClinVar contains an entry for this variant (Variation ID: 218306). This missense change has been observed in individuals with clinical features of inclusion body myopathy, Paget's disease of the bone, and frontotemporal dementia (IBMPFD) (PMID: 23000505, 25878907, 29127544). It has also been observed to segregate with disease in related individuals. This variant is not present in population databases (gnomAD no frequency). This sequence change replaces glycine, which is neutral and non-polar, with glutamic acid, which is acidic and polar, at codon 97 of the VCP protein (p.Gly97Glu).

OMIM
Classification: Pathogenic for CHARCOT-MARIE-TOOTH DISEASE, TYPE 2Y. Last evaluated: 2015-01-01. Review status: no assertion criteria provided. Collection method: literature only. Allele origin: germline. Not counted in ClinVar's aggregate classification.

Literature cited by the submitters: PubMed 27226613 (cited by Labcorp Genetics (formerly Invitae), Labcorp); PubMed 23000505 (cited by Labcorp Genetics (formerly Invitae), Labcorp); PubMed 25878907 (cited by Labcorp Genetics (formerly Invitae), Labcorp and OMIM); PubMed 29127544 (cited by Labcorp Genetics (formerly Invitae), Labcorp).